The following is an entry in ClinVar:

NM_000455.5(STK11):c.402T>G (p.Cys134Trp)

Gene: STK11 (serine/threonine kinase 11; plus strand). Cytogenetic location: 19p13.3.
Variant type: single nucleotide variant.
Coding change: c.402T>G on transcript NM_000455.5 (MANE Select); coding-DNA position 402, T replaced by G.
Protein change: p.Cys134Trp; replaces cysteine 134 with tryptophan.
Molecular consequence: missense variant.
Genome position (GRCh38, 1-based): chr19:1,219,351, T>G. VCF-style: chr19-1219351-T-G. GRCh37 (hg19) VCF-style: chr19-1219350-T-G.
Other names: short protein forms C134W.
Identifiers: ClinVar variation 920206 (VCV000920206.18), dbSNP rs778868074, ClinGen allele CA047520.

ClinVar aggregate classification (germline): Uncertain significance. Review status: criteria provided, multiple submitters, no conflicts (2 of 4 stars). 5 submissions from 5 submitters: Uncertain significance (5). Last evaluated 2025-06-23.

Conditions:
Hereditary cancer-predisposing syndrome. Also called: Hereditary Cancer Syndrome; Hereditary neoplastic syndrome; Neoplastic Syndromes, Hereditary; Tumor predisposition. Identifiers: Orphanet 140162, MedGen C0027672, MeSH D009386, MONDO:0015356.
Peutz-Jeghers syndrome (PJS). Also called: POLYPOSIS, HAMARTOMATOUS INTESTINAL; POLYPS-AND-SPOTS SYNDROME; Peutz-Jeghers polyposis; Periorificial lentiginosis syndrome. Identifiers: Orphanet 2869, MedGen C0031269, MeSH D010580, MONDO:0008280, OMIM 175200.

Allele frequency attached by ClinVar (database versions not stated): gnomAD exomes below 0.00001; TOPMed below 0.00001; gnomAD 0.00001; ExAC 0.00002.
gnomAD v4.1: 3 of 1,585,148 alleles (0.00019%); highest among the groups gnomAD compares: African/African-American, 0.004%; no homozygotes.

Submissions (5):

Color Diagnostics, LLC DBA Color Health
Classification: Uncertain significance for Hereditary cancer-predisposing syndrome. Last evaluated: 2025-06-23. Review status: criteria provided, single submitter. Criteria: ACMG Guidelines, 2015. Collection method: clinical testing. Allele origin: germline.
Comment: This missense variant replaces cysteine with tryptophan at codon 134 of the STK11 protein. Computational prediction is inconclusive regarding the impact of this variant on protein structure and function. To our knowledge, functional studies have not been reported for this variant. This variant has not been reported in individuals affected with STK11-related disorders in the literature. This variant has been identified in 2/254614 chromosomes in the general population by the Genome Aggregation Database (gnomAD). The available evidence is insufficient to determine the role of this variant in disease conclusively. Therefore, this variant is classified as a Variant of Uncertain Significance.

Ambry Genetics
Classification: Uncertain significance for Hereditary cancer-predisposing syndrome. Last evaluated: 2024-09-02. Review status: criteria provided, single submitter. Criteria: Ambry Variant Classification Scheme 2023. Collection method: clinical testing. Allele origin: germline.
Comment: The p.C134W variant (also known as c.402T>G), located in coding exon 3 of the STK11 gene, results from a T to G substitution at nucleotide position 402. The cysteine at codon 134 is replaced by tryptophan, an amino acid with highly dissimilar properties. This amino acid position is highly conserved in available vertebrate species. In addition, this alteration is predicted to be deleterious by in silico analysis. Since supporting evidence is limited at this time, the clinical significance of this alteration remains unclear.

All of Us Research Program, National Institutes of Health
Classification: Uncertain significance for Peutz-Jeghers syndrome. Last evaluated: 2023-11-30. Review status: criteria provided, single submitter. Criteria: ACMG Guidelines, 2015. Collection method: clinical testing. Allele origin: germline. Inheritance: Autosomal dominant inheritance. Observed: 1 variant allele, 1 heterozygote.
Comment: This study involves interpretation of variants in research participants for the purpose of population health screening. Participant phenotype was not available at the time of variant classification. Additional details can be found in publication PMID: 35346344, PMCID: PMC8962531

Labcorp Genetics (formerly Invitae), Labcorp
Classification: Uncertain significance for Peutz-Jeghers syndrome. Last evaluated: 2023-08-30. Review status: criteria provided, single submitter. Criteria: Invitae Variant Classification Sherloc (09022015). Collection method: clinical testing. Allele origin: germline.
Comment: This variant is present in population databases (rs778868074, gnomAD 0.009%). This sequence change replaces cysteine, which is neutral and slightly polar, with tryptophan, which is neutral and slightly polar, at codon 134 of the STK11 protein (p.Cys134Trp). This variant has not been reported in the literature in individuals affected with STK11-related conditions. ClinVar contains an entry for this variant (Variation ID: 920206). Advanced modeling of protein sequence and biophysical properties (such as structural, functional, and spatial information, amino acid conservation, physicochemical variation, residue mobility, and thermodynamic stability) has been performed at Invitae for this missense variant, however the output from this modeling did not meet the statistical confidence thresholds required to predict the impact of this variant on STK11 protein function. Algorithms developed to predict the effect of sequence changes on RNA splicing suggest that this variant may disrupt the consensus splice site. In summary, the available evidence is currently insufficient to determine the role of this variant in disease. Therefore, it has been classified as a Variant of Uncertain Significance.

Genome-Nilou Lab
Classification: Uncertain significance for Peutz-Jeghers syndrome. Last evaluated: 2021-07-15. Review status: criteria provided, single submitter. Criteria: ACMG Guidelines, 2015. Collection method: clinical testing. Allele origin: germline. Affected: no.